The following is an entry in ClinVar:

NM_004667.6(HERC2):c.9359T>C (p.Leu3120Pro)

Gene: HERC2 (HECT and RLD domain containing E3 ubiquitin protein ligase 2; minus strand). Cytogenetic location: 15q13.1.
Variant type: single nucleotide variant.
Coding change: c.9359T>C on transcript NM_004667.6 (MANE Select); coding-DNA position 9359, T replaced by C.
Protein change: p.Leu3120Pro; replaces leucine 3120 with proline.
Molecular consequence: missense variant.
Genome position (GRCh38, 1-based): chr15:28,177,023, A>G on the plus strand (T>C on the coding strand, the complement: HERC2 is on the minus strand). VCF-style: chr15-28177023-A-G. GRCh37 (hg19) VCF-style: chr15-28422169-A-G.
Other names: short protein forms L3120P.
Identifiers: ClinVar variation 3234631 (VCV003234631.20), dbSNP rs2549000245, ClinGen allele CA391385410.

ClinVar aggregate classification (germline): Uncertain significance (1 of 4 stars; one submission).

Allele frequency attached by ClinVar (database versions not stated): gnomAD exomes below 0.00001.
gnomAD v4.1: 1 of 1,614,178 alleles (0.000062%); highest among the groups gnomAD compares: Non-Finnish European, 0.000085%; no homozygotes.

Submission:

CeGaT Center for Human Genetics Tuebingen
Classification: Uncertain significance. Last evaluated: 2024-04-01. Review status: criteria provided, single submitter. Criteria: CeGaT Center For Human Genetics Tuebingen Variant Classification Criteria Version 2. Collection method: clinical testing. Allele origin: germline. Affected: yes. Observed: 1 variant allele.
Comment: HERC2: PM2, PP3